The following is an entry in ClinVar:

NM_001478.5(B4GALNT1):c.1384+7G>A

Gene: B4GALNT1 (beta-1,4-N-acetyl-galactosaminyltransferase 1; minus strand). Cytogenetic location: 12q13.3.
Variant type: single nucleotide variant.
Coding change: c.1384+7G>A on transcript NM_001478.5 (MANE Select); 7 bases into the intron after coding-DNA position 1384, G replaced by A.
Molecular consequence: intron variant.
Genome position (GRCh38, 1-based): chr12:57,627,611, C>T on the plus strand (G>A on the coding strand, the complement: B4GALNT1 is on the minus strand). VCF-style: chr12-57627611-C-T. GRCh37 (hg19) VCF-style: chr12-58021394-C-T.
Other names: c.1219+7G>A (NM_001276468.2).
Identifiers: ClinVar variation 2068826 (VCV002068826.4), dbSNP rs1262924442, ClinGen allele CA605706049.

ClinVar aggregate classification (germline): Uncertain significance (1 of 4 stars; one submission).

Conditions:
Spastic paraplegia. Identifiers: MedGen C0037772, HP:0001258.

Allele frequency attached by ClinVar (database versions not stated): TOPMed below 0.00001; gnomAD exomes 0.00001; gnomAD 0.00001.
gnomAD v4.1: 22 of 1,580,068 alleles (0.0014%); highest among the groups gnomAD compares: Non-Finnish European, 0.00052%; no homozygotes.

Submission:

Labcorp Genetics (formerly Invitae), Labcorp
Classification: Uncertain significance for Spastic paraplegia. Last evaluated: 2022-05-25. Review status: criteria provided, single submitter. Criteria: Invitae Variant Classification Sherloc (09022015). Collection method: clinical testing. Allele origin: germline.
Comment: This variant is present in population databases (no rsID available, gnomAD 0.06%). This sequence change falls in intron 10 of the B4GALNT1 gene. It does not directly change the encoded amino acid sequence of the B4GALNT1 protein. This variant has not been reported in the literature in individuals affected with B4GALNT1-related conditions. In summary, the available evidence is currently insufficient to determine the role of this variant in disease. Therefore, it has been classified as a Variant of Uncertain Significance. Algorithms developed to predict the effect of sequence changes on RNA splicing suggest that this variant may disrupt the consensus splice site.